The following is an entry in ClinVar:

NM_020911.2(PLXNA4):c.1372-6C>G

Gene: PLXNA4 (plexin A4; minus strand). Cytogenetic location: 7q32.3.
Variant type: single nucleotide variant.
Coding change: c.1372-6C>G on transcript NM_020911.2 (MANE Select); 6 bases into the intron before coding-DNA position 1372, C replaced by G.
Molecular consequence: intron variant.
Genome position (GRCh38, 1-based): chr7:132,298,228, G>C on the plus strand (C>G on the coding strand, the complement: PLXNA4 is on the minus strand). VCF-style: chr7-132298228-G-C. GRCh37 (hg19) VCF-style: chr7-131982987-G-C.
Other names: c.1372-6C>G (NM_001393897.1).
Identifiers: ClinVar variation 4983003 (VCV004983003.1).
Genomic context (GRCh38, chr7:132,298,228, plus strand): 5'-CCACCTGCACCGTCTCATACTGGAGGGCGTTGCCCCTGGGTCCATCCACCCGGATCTGTG[G>C]AGAAGAAGAGGAGAGCCAAAGTGAGTTCAGATCCTGCACTGCCCACAGCCAAACTTCAGC-3'

ClinVar aggregate classification (germline): Likely benign (1 of 4 stars; one submission).

Conditions:
PLXNA4-related disorder. Also called: PLXNA4-related condition.

gnomAD v4.1: 2 of 1,609,514 alleles (0.00012%); highest among the groups gnomAD compares: Non-Finnish European, 0.00017%; no homozygotes.

Submission:

PreventionGenetics, part of Exact Sciences
Classification: Likely benign for PLXNA4-related condition. Last evaluated: 2025-04-28. Review status: criteria provided, single submitter. Criteria: ACMG Guidelines, 2015. Collection method: clinical testing. Allele origin: germline.
Comment: This variant is classified as likely benign based on ACMG/AMP sequence variant interpretation guidelines (Richards et al. 2015 PMID: 25741868, with internal and published modifications).